The following is an entry in ClinVar:

ClinVar aggregate classification (germline): Uncertain significance (1 of 4 stars; one submission).

Conditions:
Early-infantile DEE. Also called: Early infantile epileptic encephalopathy; Early infantile epileptic encephalopathy with suppression bursts; Ohtahara syndrome. Identifiers: Orphanet 1934, MedGen C0393706, MONDO:0800491.

Submission:

Labcorp Genetics (formerly Invitae), Labcorp
Classification: Uncertain significance for Early-infantile DEE. Last evaluated: 2025-10-14. Review status: criteria provided, single submitter. Criteria: Invitae Variant Classification Sherloc (09022015). Collection method: clinical testing. Allele origin: germline.
Comment: This sequence change replaces glutamine, which is neutral and polar, with histidine, which is basic and polar, at codon 165 of the KCNH5 protein (p.Gln165His). This variant is not present in population databases (gnomAD no frequency). This variant has not been reported in the literature in individuals affected with KCNH5-related conditions. Invitae Evidence Modeling of protein sequence and biophysical properties (such as structural, functional, and spatial information, amino acid conservation, physicochemical variation, residue mobility, and thermodynamic stability) indicates that this missense variant is not expected to disrupt KCNH5 protein function with a negative predictive value of 80%. In summary, the available evidence is currently insufficient to determine the role of this variant in disease. Therefore, it has been classified as a Variant of Uncertain Significance.

NM_139318.5(KCNH5):c.495G>C (p.Gln165His)

Gene: KCNH5 (potassium voltage-gated channel subfamily H member 5; minus strand). Cytogenetic location: 14q23.2.
Variant type: single nucleotide variant.
Coding change: c.495G>C on transcript NM_139318.5 (MANE Select); coding-DNA position 495, G replaced by C.
Protein change: p.Gln165His; replaces glutamine 165 with histidine.
Molecular consequence: missense variant.
Genome position (GRCh38, 1-based): chr14:62,987,126, C>G on the plus strand (G>C on the coding strand, the complement: KCNH5 is on the minus strand). VCF-style: chr14-62987126-C-G. GRCh37 (hg19) VCF-style: chr14-63453844-C-G.
Other names: c.495G>C, p.Gln165His (NM_172375.3); short protein forms Q165H.
Identifiers: ClinVar variation 4809370 (VCV004809370.1).
Genomic context (GRCh38, chr14:62,987,126, plus strand): 5'-ACTTACTTCAGCTAGTCTTGAATGTTTATGGACCACCTCTGTTTTATTCATTGGCGTGAG[C>G]TGCTGCAAAACACTTCGGCTATTTGTCAAAGCCCGTGTCAATCGGGCAAATTTCGTCCAA-3'
Protein context (NP_647479.2, residues 155-175): ALTNSRSVLQ[Gln165His]LTPMNKTEVV